The following is an entry in ClinVar:

ClinVar aggregate classification (germline): Uncertain significance (1 of 4 stars; one submission).

Submission:

GeneDx
Classification: Uncertain significance. Last evaluated: 2022-06-16. Review status: criteria provided, single submitter. Criteria: GeneDx Variant Classification Process June 2021. Collection method: clinical testing. Allele origin: germline. Affected: yes.
Comment: Not observed at significant frequency in large population cohorts (gnomAD); In silico analysis supports that this missense variant does not alter protein structure/function; Has not been previously published as pathogenic or benign to our knowledge

NM_014633.5(CTR9):c.2794T>C (p.Ser932Pro)

Gene: CTR9 (CTR9 homolog, Paf1/RNA polymerase II complex component; plus strand). Cytogenetic location: 11p15.4.
Variant type: single nucleotide variant.
Coding change: c.2794T>C on transcript NM_014633.5 (MANE Select); coding-DNA position 2794, T replaced by C.
Protein change: p.Ser932Pro; replaces serine 932 with proline.
Molecular consequence: missense variant.
Genome position (GRCh38, 1-based): chr11:10,774,078, T>C. VCF-style: chr11-10774078-T-C. GRCh37 (hg19) VCF-style: chr11-10795625-T-C.
Other names: c.2722T>C, p.Ser908Pro (NM_001346279.2); short protein forms S908P, S932P.
Identifiers: ClinVar variation 1804443 (VCV001804443.1), dbSNP rs2539391827, ClinGen allele CA379677440.